The following is an entry in ClinVar:

ClinVar aggregate classification (germline): Uncertain significance (1 of 4 stars; one submission).

Conditions:
Autosomal dominant nocturnal frontal lobe epilepsy 5. Also called: CILIARY DYSKINESIA, PRIMARY, 28, WITHOUT SITUS INVERSUS; CILIARY DYSKINESIA, PRIMARY, 28, WITH SITUS INVERSUS; KCNT1-Related Epilepsy; Epilepsy, nocturnal frontal lobe, 5. Identifiers: Orphanet 98784, MedGen C3554306, MONDO:0014002, OMIM 615005.
Developmental and epileptic encephalopathy, 14 (DEE14). Also called: Early infantile epileptic encephalopathy 14. Identifiers: Orphanet 293181, MedGen C3554195, MONDO:0013989, OMIM 614959.

Submission:

Labcorp Genetics (formerly Invitae), Labcorp
Classification: Uncertain significance for Autosomal dominant nocturnal frontal lobe epilepsy 5; Developmental and epileptic encephalopathy, 14. Last evaluated: 2025-07-09. Review status: criteria provided, single submitter. Criteria: Invitae Variant Classification Sherloc (09022015). Collection method: clinical testing. Allele origin: germline.
Comment: This sequence change replaces asparagine, which is neutral and polar, with tyrosine, which is neutral and polar, at codon 632 of the KCNT1 protein (p.Asn632Tyr). This variant is not present in population databases (gnomAD no frequency). This variant has not been reported in the literature in individuals affected with KCNT1-related conditions. Invitae Evidence Modeling of protein sequence and biophysical properties (such as structural, functional, and spatial information, amino acid conservation, physicochemical variation, residue mobility, and thermodynamic stability) indicates that this missense variant is not expected to disrupt KCNT1 protein function with a negative predictive value of 80%. In summary, the available evidence is currently insufficient to determine the role of this variant in disease. Therefore, it has been classified as a Variant of Uncertain Significance.

NM_020822.3(KCNT1):c.1894A>T (p.Asn632Tyr)

Gene: KCNT1 (potassium sodium-activated channel subfamily T member 1; plus strand). Cytogenetic location: 9q34.3.
Variant type: single nucleotide variant.
Coding change: c.1894A>T on transcript NM_020822.3 (MANE Select); coding-DNA position 1894, A replaced by T.
Protein change: p.Asn632Tyr; replaces asparagine 632 with tyrosine.
Molecular consequence: missense variant.
Genome position (GRCh38, 1-based): chr9:135,770,981, A>T. VCF-style: chr9-135770981-A-T. GRCh37 (hg19) VCF-style: chr9-138662827-A-T.
Other names: c.1759A>T, p.Asn587Tyr (NM_001272003.2); short protein forms N587Y, N632Y.
Identifiers: ClinVar variation 4782814 (VCV004782814.1).